The following is an entry in ClinVar:

ClinVar aggregate classification (germline): Uncertain significance (1 of 4 stars; one submission).

Allele frequency attached by ClinVar (database versions not stated): TOPMed below 0.00001.
gnomAD v4.1: 1 of 1,614,204 alleles (0.000062%); no homozygotes.

Submission:

GeneDx
Classification: Uncertain significance. Last evaluated: 2022-03-02. Review status: criteria provided, single submitter. Criteria: GeneDx Variant Classification Process June 2021. Collection method: clinical testing. Allele origin: germline. Affected: yes.
Comment: Not observed at significant frequency in large population cohorts (gnomAD); In silico analysis supports that this missense variant does not alter protein structure/function; Has not been previously published as pathogenic or benign to our knowledge

NM_020791.4(TAOK1):c.2753C>T (p.Pro918Leu)

Gene: TAOK1 (TAO kinase 1; plus strand). Cytogenetic location: 17q11.2.
Variant type: single nucleotide variant.
Coding change: c.2753C>T on transcript NM_020791.4 (MANE Select); coding-DNA position 2753, C replaced by T.
Protein change: p.Pro918Leu; replaces proline 918 with leucine.
Molecular consequence: missense variant.
Genome position (GRCh38, 1-based): chr17:29,542,769, C>T. VCF-style: chr17-29542769-C-T. GRCh37 (hg19) VCF-style: chr17-27869787-C-T.
Other names: c.2309C>T, p.Pro770Leu (NM_025142.1); short protein forms P770L, P918L.
Identifiers: ClinVar variation 1703902 (VCV001703902.2), dbSNP rs2032340769, ClinGen allele CA398920139.